The following is an entry in ClinVar:

ClinVar aggregate classification (germline): Uncertain significance (1 of 4 stars; one submission).

Conditions:
Autosomal recessive severe congenital neutropenia due to G6PC3 deficiency. Also called: NEUTROPENIA, SEVERE CONGENITAL, 4, AUTOSOMAL RECESSIVE; G6PC3 Deficiency. Identifiers: Orphanet 331176, MedGen C2751630, MONDO:0012930, OMIM 612541.

Submission:

Labcorp Genetics (formerly Invitae), Labcorp
Classification: Uncertain significance for Autosomal recessive severe congenital neutropenia due to G6PC3 deficiency. Last evaluated: 2024-06-30. Review status: criteria provided, single submitter. Criteria: Invitae Variant Classification Sherloc (09022015). Collection method: clinical testing. Allele origin: germline.
Comment: This sequence change replaces phenylalanine, which is neutral and non-polar, with leucine, which is neutral and non-polar, at codon 43 of the G6PC3 protein (p.Phe43Leu). This variant is not present in population databases (gnomAD no frequency). This variant has not been reported in the literature in individuals affected with G6PC3-related conditions. Advanced modeling of protein sequence and biophysical properties (such as structural, functional, and spatial information, amino acid conservation, physicochemical variation, residue mobility, and thermodynamic stability) has been performed at Invitae for this missense variant, however the output from this modeling did not meet the statistical confidence thresholds required to predict the impact of this variant on G6PC3 protein function. In summary, the available evidence is currently insufficient to determine the role of this variant in disease. Therefore, it has been classified as a Variant of Uncertain Significance.

NM_138387.4(G6PC3):c.127T>C (p.Phe43Leu)

Genes: G6PC3 (glucose-6-phosphatase catalytic subunit 3; plus strand), LOC130060959 (ATAC-STARR-seq lymphoblastoid active region 12250; plus strand). Cytogenetic location: 17q21.31.
Variant type: single nucleotide variant.
Coding change: c.127T>C on transcript NM_138387.4 (MANE Select); coding-DNA position 127, T replaced by C.
Protein change: p.Phe43Leu; replaces phenylalanine 43 with leucine.
Molecular consequence: missense variant. On other transcripts: 5 prime UTR variant (3), intron variant (1).
Genome position (GRCh38, 1-based): chr17:44,071,092, T>C. VCF-style: chr17-44071092-T-C. GRCh37 (hg19) VCF-style: chr17-42148460-T-C.
Other names: c.127T>C, p.Phe43Leu (NM_001319945.2); c.-278T>C (NM_001384165.1); c.-413T>C (NM_001384166.1); c.-403T>C (NM_001384167.1); c.-312+378T>C (NM_001384168.1); short protein forms F43L.
Identifiers: ClinVar variation 3658326 (VCV003658326.2).
Genomic context (GRCh38, chr17:44,071,092, plus strand): 5'-GAGAACGTGTGGCTCTGGATCACCTTTCTGGGCGATCCCAAGATCCTCTTTCTGTTCTAC[T>C]TCCCCGCGGCCTACTACGCCTCCCGCCGTGTGGGCATCGCGGTGCTCTGGATCAGCCTCA-3'
Protein context (NP_612396.1, residues 33-53): GDPKILFLFY[Phe43Leu]PAAYYASRRV